The following is an entry in ClinVar:

NM_001203.3(BMPR1B):c.724T>G (p.Phe242Val)

Gene: BMPR1B (bone morphogenetic protein receptor type 1B; plus strand). Cytogenetic location: 4q22.3.
Variant type: single nucleotide variant.
Coding change: c.724T>G on transcript NM_001203.3 (MANE Select); coding-DNA position 724, T replaced by G.
Protein change: p.Phe242Val; replaces phenylalanine 242 with valine.
Molecular consequence: missense variant.
Genome position (GRCh38, 1-based): chr4:95,130,000, T>G. VCF-style: chr4-95130000-T-G. GRCh37 (hg19) VCF-style: chr4-96051151-T-G.
Other names: c.724T>G, p.Phe242Val (NM_001256792.2, NM_001256794.1); c.814T>G, p.Phe272Val (NM_001256793.2); short protein forms F242V, F272V.
Identifiers: ClinVar variation 850714 (VCV000850714.10), dbSNP rs761226009, ClinGen allele CA3015064.
Genomic context (GRCh38, chr4:95,130,000, plus strand): 5'-AAGTGGCGTGGCGAAAAGGTAGCTGTGAAAGTGTTCTTCACCACAGAGGAAGCCAGCTGG[T>G]TCAGAGAGACAGAAATATATCAGACAGTGTTGATGAGGCATGAAAACATTTTGGGTGAGT-3'
Protein context (NP_001194.1, residues 232-252): VFFTTEEASW[Phe242Val]RETEIYQTVL

ClinVar aggregate classification (germline): Uncertain significance (1 of 4 stars; one submission).

Conditions:
Acromesomelic dysplasia 3 (AMD3). Also called: CHONDRODYSPLASIA, ACROMESOMELIC, WITH OR WITHOUT GENITAL ANOMALIES; Acromesomelic dysplasia, Demirhan type. Identifiers: MedGen C4225404, MONDO:0012274, OMIM 609441.
Type A2 brachydactyly (BDA2). Also called: BRACHYMESOPHALANGY II; Brachymesophalangy type 2; MOHR-WRIEDT TYPE BRACHYDACTYLY. Identifiers: Orphanet 93396, MedGen C1832702, MONDO:0007216, OMIM 112600, HP:0009372.

Allele frequency attached by ClinVar (database versions not stated): TOPMed 0.00007.
gnomAD v4.1: 45 of 1,613,890 alleles (0.0028%); highest among the groups gnomAD compares: South Asian, 0.0033%; no homozygotes.

Submission:

Labcorp Genetics (formerly Invitae), Labcorp
Classification: Uncertain significance for Type A2 brachydactyly; Acromesomelic dysplasia 3. Last evaluated: 2021-01-30. Review status: criteria provided, single submitter. Criteria: Invitae Variant Classification Sherloc (09022015). Collection method: clinical testing. Allele origin: germline.
Comment: This sequence change replaces phenylalanine with valine at codon 242 of the BMPR1B protein (p.Phe242Val). The phenylalanine residue is highly conserved and there is a small physicochemical difference between phenylalanine and valine. This variant is present in population databases (rs761226009, ExAC 0.02%). This variant has not been reported in the literature in individuals with BMPR1B-related conditions. Algorithms developed to predict the effect of missense changes on protein structure and function are either unavailable or do not agree on the potential impact of this missense change (SIFT: "Deleterious"; PolyPhen-2: "Possibly Damaging"; Align-GVGD: "Class C0"). Algorithms developed to predict the effect of sequence changes on RNA splicing suggest that this variant may create or strengthen a splice site, but this prediction has not been confirmed by published transcriptional studies. In summary, the available evidence is currently insufficient to determine the role of this variant in disease. Therefore, it has been classified as a Variant of Uncertain Significance.